The following is an entry in ClinVar:

ClinVar aggregate classification (germline): Benign (1 of 4 stars; one submission).

Conditions:
Cerebral arteriopathy, autosomal dominant, with subcortical infarcts and leukoencephalopathy, type 1 (CADASIL1). Also called: CADASIL 1; Cerebral arteriopathy with subcortical infarcts and leukoencephalopathy 1; CASIL; DEMENTIA, HEREDITARY MULTIINFARCT TYPE. Identifiers: Orphanet 136, MedGen C4551768, MONDO:0000914, OMIM 125310.

Allele frequency attached by ClinVar (database versions not stated): gnomAD exomes 0.00120; gnomAD 0.00734 and 0.00692; 1000 Genomes Project 0.00839; TOPMed 0.00774; 1000 Genomes Project 30x 0.00718.
gnomAD v4.1: 1,166 of 247,804 alleles (0.47%); highest among the groups gnomAD compares: African/African-American, 2.3%; 8 homozygotes.

Submissions (2):

Illumina Laboratory Services, Illumina
Classification: Benign for Cerebral arteriopathy, autosomal dominant, with subcortical infarcts and leukoencephalopathy, type 1. Last evaluated: 2018-01-13. Review status: criteria provided, single submitter. Criteria: ICSL Variant Classification Criteria 13 December 2019. Collection method: clinical testing. Allele origin: germline.
Comment: This variant was observed in the ICSL laboratory as part of a predisposition screen in an ostensibly healthy population. It had not been previously curated by ICSL or reported in the Human Gene Mutation Database (HGMD: prior to June 1st, 2018), and was therefore a candidate for classification through an automated scoring system. Utilizing variant allele frequency, disease prevalence and penetrance estimates, and inheritance mode, an automated score was calculated to assess if this variant is too frequent to cause the disease. Based on the score and internal cut-off values, a variant classified as benign is not then subjected to further curation. The score for this variant resulted in a classification of benign for this disease.

Dr. Peter K. Rogan Lab, Western University
No classification provided (evidence only). Condition: Ovarian serous cystadenocarcinoma. Review status: no classification provided. Collection method: in vitro. Allele origin: not applicable. Functional consequence: retained intron. Not counted in ClinVar's aggregate classification.

NM_000435.3(NOTCH3):c.*370A>G

Gene: NOTCH3 (notch receptor 3; minus strand). Cytogenetic location: 19p13.12.
Variant type: single nucleotide variant.
Coding change: c.*370A>G on transcript NM_000435.3 (MANE Select); 370 bases downstream of the stop codon, A replaced by G.
Molecular consequence: 3 prime UTR variant.
Genome position (GRCh38, 1-based): chr19:15,160,292, T>C on the plus strand (A>G on the coding strand, the complement: NOTCH3 is on the minus strand). VCF-style: chr19-15160292-T-C. GRCh37 (hg19) VCF-style: chr19-15271103-T-C.
Other names: NC_000019.9:g.15271103T>C.
Identifiers: ClinVar variation 328366 (VCV000328366.6), dbSNP rs139792065, ClinGen allele CA10642373.